The following is an entry in ClinVar:

NM_004608.4(TBX6):c.617_621+12del

Gene: TBX6 (T-box transcription factor 6; minus strand). Cytogenetic location: 16p11.2.
Variant type: Deletion.
Coding change: c.617_621+12del on transcript NM_004608.4 (MANE Select); coding-DNA position 617 through 12 bases into the intron after coding-DNA position 621, 17 bases deleted (GCCACGTGAGGCCCAGG).
Molecular consequence: splice donor variant.
Genome position (GRCh38, 1-based): chr16:30,088,931-30,088,947, CCTGGGCCTCACGTGGC deleted on the plus strand (GCCACGTGAGGCCCAGG on the coding strand, the reverse complement: TBX6 is on the minus strand); deleting any 17 consecutive bases within chr16:30,088,931-30,088,948 gives the same sequence; the c. name uses the placement nearest the transcript's 3' end. VCF-style (leftmost placement, unchanged base first): chr16-30088930-GCCTGGGCCTCACGTGGC-G. GRCh37 (hg19) VCF-style: chr16-30100251-GCCTGGGCCTCACGTGGC-G.
Other names: c.617_621+12del (NM_004608.3).
Identifiers: ClinVar variation 3020494 (VCV003020494.4), dbSNP rs748069460, ClinGen allele CA8001873.
Genomic context (GRCh38, chr16:30,088,930, plus strand): 5'-GCCCTGCGCCTCACCCTTGGCCTCCCTTCCAGCACCCCCCAACCCTATCCTGGAGTCCCA[GCCTGGGCCTCACGTGGC>G]CGTGGGGGTCCAGCGTGCTGTTGGTGAGCTTGACACGATGGAAAGACACAGGCTGCCGCA-3'

ClinVar aggregate classification (germline): Conflicting classifications of pathogenicity. Review status: criteria provided, conflicting classifications (1 of 4 stars). 2 submissions from 2 submitters: Likely pathogenic (1); Uncertain significance (1). Last evaluated 2025-04-08.

Conditions:
Spondylocostal dysostosis 5 (SCDO5). Also called: SCOLIOSIS, CONGENITAL, WITH OR WITHOUT RIB ANOMALIES. Identifiers: MedGen C4083048, MONDO:0007389, OMIM 122600.

Submissions (2):

Labcorp Genetics (formerly Invitae), Labcorp
Classification: Uncertain significance. Last evaluated: 2025-04-08. Review status: criteria provided, single submitter. Criteria: Invitae Variant Classification Sherloc (09022015). Collection method: clinical testing. Allele origin: germline.
Comment: This variant results in the deletion of part of exon 4 (c.617_621+12del) of the TBX6 gene. It is expected to disrupt RNA splicing. Variants that disrupt the donor or acceptor splice site typically lead to a loss of protein function (PMID: 16199547), however the current clinical and genetic evidence is not sufficient to establish whether loss-of-function variants in TBX6 cause disease. This variant is present in population databases (rs748069460, gnomAD 0.009%). This variant has not been reported in the literature in individuals affected with TBX6-related conditions. ClinVar contains an entry for this variant (Variation ID: 3020494). In summary, the available evidence is currently insufficient to determine the role of this variant in disease. Therefore, it has been classified as a Variant of Uncertain Significance.

Rady Children's Institute for Genomic Medicine, Rady Children's Hospital San Diego
Classification: Likely pathogenic for Spondylocostal dysostosis 5. Last evaluated: 2025-01-07. Review status: criteria provided, single submitter. Criteria: ACMG Guidelines, 2015. Collection method: clinical testing. Allele origin: germline. Affected: yes.
Comment: This variant affects the canonical splice donor site of intron 4 and is therefore predicted to interfere with splicing and result in loss of normal protein function through either protein truncation or nonsense-mediated mRNA decay. This variant has not been previously reported or functionally characterized in the literature to our knowledge. The c.617_621+12del variant is present in the latest version of the gnomAD population database at an allele frequency of 0.0002% (3/1604608) and thus is presumed to be rare. Based on the available evidence, c.617_621+12del is classified as Likely Pathogenic.

Literature cited by the submitters: PubMed 16199547 (cited by Labcorp Genetics (formerly Invitae), Labcorp).